The following is an entry in ClinVar:

NM_021076.4(NEFH):c.883G>A (p.Val295Met)

Gene: NEFH (neurofilament heavy chain; plus strand). Cytogenetic location: 22q12.2.
Variant type: single nucleotide variant.
Coding change: c.883G>A on transcript NM_021076.4 (MANE Select); coding-DNA position 883, G replaced by A.
Protein change: p.Val295Met; replaces valine 295 with methionine.
Molecular consequence: missense variant.
Genome position (GRCh38, 1-based): chr22:29,481,145, G>A. VCF-style: chr22-29481145-G-A. GRCh37 (hg19) VCF-style: chr22-29877134-G-A.
Other names: short protein forms V295M.
Identifiers: ClinVar variation 4694539 (VCV004694539.1).

ClinVar aggregate classification (germline): Uncertain significance (1 of 4 stars; one submission).

Submission:

Labcorp Genetics (formerly Invitae), Labcorp
Classification: Uncertain significance. Last evaluated: 2025-11-06. Review status: criteria provided, single submitter. Criteria: Invitae Variant Classification Sherloc (09022015). Collection method: clinical testing. Allele origin: germline.
Comment: This sequence change replaces valine, which is neutral and non-polar, with methionine, which is neutral and non-polar, at codon 295 of the NEFH protein (p.Val295Met). This variant also falls at the last nucleotide of exon 1, which is part of the consensus splice site for this exon. This variant is present in population databases (no rsID available, gnomAD 0.004%). This missense change has been observed in individual(s) with primary lateral sclerosis (PMID: 37223130). Experimental studies and prediction algorithms are not available or were not evaluated, and the functional significance of this variant is currently unknown. Variants that disrupt the consensus splice site are a relatively common cause of aberrant splicing (PMID: 17576681, 9536098). In summary, the available evidence is currently insufficient to determine the role of this variant in disease. Therefore, it has been classified as a Variant of Uncertain Significance.

Literature cited by the submitters: PubMed 37223130; PubMed 17576681; PubMed 9536098.